The following is an entry in ClinVar:

ClinVar aggregate classification (germline): Likely pathogenic. Review status: reviewed by expert panel (3 of 4 stars). 2 submissions from 2 submitters: Likely pathogenic (1). 1 of the submissions does not count toward it. Last evaluated 2025-05-01.

Conditions:
Bernard Soulier syndrome (BSS). Also called: GLYCOPROTEIN Ib, PLATELET, DEFICIENCY OF; PLATELET GLYCOPROTEIN Ib DEFICIENCY; VON WILLEBRAND FACTOR RECEPTOR DEFICIENCY; Giant platelet syndrome; Hemorrhagiparous thrombocytic dystrophy; Giant platelet disease. Identifiers: Orphanet 274, MedGen C0005129, MeSH D001606, MONDO:0009276, OMIM 231200.
GP1BA-related disorders.

Submissions (2):

ClinGen Platelet Disorders Variant Curation Expert Panel, ClinGen
Classification: Likely pathogenic for Bernard Soulier syndrome. Last evaluated: 2025-05-01. Review status: reviewed by expert panel. Criteria: ClinGen Platelet ACMG Specifications GP1BA V1.0.0. Collection method: curation. Allele origin: germline. Inheritance: Autosomal recessive inheritance.
Comment: The c.1592del (p.Leu531ArgfsTer22) variant in GP1BA is a frameshift variant that may cause a premature stop codon that is predicted to escape nonsense mediated decay, however it is a truncation of a functionally important region in a gene where loss-of-function is an established disease mechanism (PVS1_Strong). At least one patient (Patient BSS22.01 in PMID: 23995613) with this variant had aggregation absent for ristocetin and present for all other agonists, which is highly specific for Bernard-Soulier syndrome. Additionally, the patient had excessive mucocutaneous bleeding and macrothrombocytopenia which are consistent with Bernard-Soulier syndrome (PP4). In addition to this proband, the variant has been reported to segregate with Bernard-Soulier syndrome in one affected family member (Patients BSS22.01 and BSS22.02 from PMID: 23995613), both with the homozygous genotype for the NM_000173.7(GP1BA):c.1592del (p.Leu531ArgfsTer22) variant (PP1). This variant is absent from gnomAD v4.1.0 (PM2_Supporting). In summary, this variant meets the criteria to be classified as Likely Pathogenic for autosomal recessive Bernard-Soulier syndrome based on the ACMG/AMP criteria applied, as specified by the ClinGen PD VCEP: PVS1_Strong, PP1, PP4, PM2_Supporting, and PM3_Supporting (VCEP specifications version 1).

Blueprint Genetics
Classification: Pathogenic for GP1BA-related disorders. Last evaluated: 2019-11-01. Review status: criteria provided, single submitter. Criteria: ACMG Guidelines, 2015. Collection method: clinical testing. Allele origin: germline. Affected: yes. Observed: 1 variant allele. Not counted in ClinVar's aggregate classification.

NM_000173.7(GP1BA):c.1592del (p.Leu531fs)

Gene: GP1BA (glycoprotein Ib platelet subunit alpha; plus strand). Cytogenetic location: 17p13.2.
Variant type: Deletion.
Coding change: c.1592del on transcript NM_000173.7 (MANE Select); coding-DNA position 1592, one base deleted (T; older notation c.1592delT).
Protein change: p.Leu531fs; shifts the reading frame from leucine 531.
Molecular consequence: frameshift variant.
Genome position (GRCh38, 1-based): chr17:4,934,196, T deleted. VCF-style (leftmost placement, unchanged base first): chr17-4934195-CT-C. GRCh37 (hg19) VCF-style: chr17-4837490-CT-C.
Other names: NM_000173.7:c.1592del; short protein forms L531fs.
Identifiers: ClinVar variation 4087793 (VCV004087793.2).